The following is an entry in ClinVar:

NM_002485.5(NBN):c.208G>C (p.Asp70His)

Gene: NBN (nibrin; minus strand). Cytogenetic location: 8q21.3.
Variant type: single nucleotide variant.
Coding change: c.208G>C on transcript NM_002485.5 (MANE Select); coding-DNA position 208, G replaced by C.
Protein change: p.Asp70His; replaces aspartic acid 70 with histidine.
Molecular consequence: missense variant. On other transcripts: 5 prime UTR variant (3).
Genome position (GRCh38, 1-based): chr8:89,981,487, C>G on the plus strand (G>C on the coding strand, the complement: NBN is on the minus strand). VCF-style: chr8-89981487-C-G. GRCh37 (hg19) VCF-style: chr8-90993715-C-G.
Other names: c.-39G>C (NM_001024688.3, NM_001440379.1, NM_001440380.1); short protein forms D70H.
Identifiers: ClinVar variation 4717172 (VCV004717172.1).
Genomic context (GRCh38, chr8:89,981,487, plus strand): 5'-TTCGGGAAAAGCCATTCTGCATTTTTTCCTCATTAACAAAGGTACCATACTTAGAATTAT[C>G]TTTTAATGTCAATACAGGGATTTCATCTGTTTGACTCTGAAAAGTTAGCAAATAATTTAA-3'
Protein context (NP_002476.2, residues 60-80): TDEIPVLTLK[Asp70His]NSKYGTFVNE

ClinVar aggregate classification (germline): Uncertain significance (1 of 4 stars; one submission).

Conditions:
Microcephaly, normal intelligence and immunodeficiency (NBS). Also called: BERLIN BREAKAGE SYNDROME; Immunodeficiency, microcephaly with normal intelligence; IMMUNODEFICIENCY, MICROCEPHALY, AND CHROMOSOMAL INSTABILITY; SEEMANOVA SYNDROME II; Ataxia telangiectasia variant V1; Nijmegen breakage syndrome. Identifiers: Orphanet 647, MedGen C0398791, MONDO:0009623, OMIM 251260.

gnomAD v4.1: 4 of 1,613,418 alleles (0.00025%); highest among the groups gnomAD compares: South Asian, 0.0044%; no homozygotes.

Submission:

Labcorp Genetics (formerly Invitae), Labcorp
Classification: Uncertain significance for Microcephaly, normal intelligence and immunodeficiency. Last evaluated: 2025-10-11. Review status: criteria provided, single submitter. Criteria: Invitae Variant Classification Sherloc (09022015). Collection method: clinical testing. Allele origin: germline.
Comment: This sequence change replaces aspartic acid, which is acidic and polar, with histidine, which is basic and polar, at codon 70 of the NBN protein (p.Asp70His). This variant is present in population databases (rs560337591, gnomAD 0.006%). This variant has not been reported in the literature in individuals affected with NBN-related conditions. An algorithm developed to predict the effect of missense changes on protein structure and function (PolyPhen-2) suggests that this variant is likely to be disruptive. In summary, the available evidence is currently insufficient to determine the role of this variant in disease. Therefore, it has been classified as a Variant of Uncertain Significance.